The following is an entry in ClinVar:

NM_001034853.2(RPGR):c.2125G>T (p.Glu709Ter)

Gene: RPGR (retinitis pigmentosa GTPase regulator; minus strand). Cytogenetic location: Xp11.4.
Variant type: single nucleotide variant.
Coding change: c.2125G>T on transcript NM_001034853.2 (MANE Select); coding-DNA position 2125, G replaced by T.
Protein change: p.Glu709Ter; replaces glutamic acid 709 with a stop codon.
Molecular consequence: nonsense. On other transcripts: intron variant (8).
Genome position (GRCh38, 1-based): chrX:38,286,874, C>A on the plus strand (G>T on the coding strand, the complement: RPGR is on the minus strand). VCF-style: chrX-38286874-C-A. GRCh37 (hg19) VCF-style: chrX-38146127-C-A.
Other names: c.1569+4085G>T (NM_001367249.1, NM_001367250.1); c.1902+220G>T (NM_001367245.1); c.1386+4085G>T (NM_001367251.1); c.1719+220G>T (NM_001367246.1); c.1572+4085G>T (NM_001367247.1); c.1905+220G>T (NM_000328.3); c.1602+4085G>T (NM_001367248.1); short protein forms E709*.
Identifiers: ClinVar variation 865819 (VCV000865819.2), dbSNP rs1305342570, ClinGen allele CA412731393.

ClinVar aggregate classification (germline): Likely pathogenic. Review status: criteria provided, single submitter (1 of 4 stars). 2 submissions from 1 submitter: Likely pathogenic (1). 1 of the submissions does not count toward it. Last evaluated 2018-12-11.

Conditions:
Retinitis pigmentosa 3. Also called: CHOROIDORETINAL DEGENERATION WITH RETINAL REFLEX IN HETEROZYGOUS WOMEN. Identifiers: Orphanet 791, MedGen C1845667, MONDO:0010227, OMIM 300029.
Retinal dystrophy. Also called: Inherited retinal dystrophy. Identifiers: Orphanet 71862, MedGen C0854723, MeSH D058499, MONDO:0019118, HP:0000556.

Submissions (2):

Blueprint Genetics
Classification: Likely pathogenic for Retinal dystrophy. Last evaluated: 2018-12-11. Review status: criteria provided, single submitter. Criteria: Blueprint Genetics Variant Classification Scheme. Collection method: clinical testing. Allele origin: germline. Affected: yes.

Blueprint Genetics
Classification: Likely pathogenic for Retinitis pigmentosa 3. Review status: no assertion criteria provided. Collection method: clinical testing. Allele origin: germline. Affected: yes. Not counted in ClinVar's aggregate classification.